The following is an entry in ClinVar:

NM_001089.3(ABCA3):c.2381T>C (p.Leu794Pro)

Gene: ABCA3 (ATP binding cassette subfamily A member 3; minus strand). Cytogenetic location: 16p13.3.
Variant type: single nucleotide variant.
Coding change: c.2381T>C on transcript NM_001089.3 (MANE Select); coding-DNA position 2381, T replaced by C.
Protein change: p.Leu794Pro; replaces leucine 794 with proline.
Molecular consequence: missense variant.
Genome position (GRCh38, 1-based): chr16:2,295,623, A>G on the plus strand (T>C on the coding strand, the complement: ABCA3 is on the minus strand). VCF-style: chr16-2295623-A-G. GRCh37 (hg19) VCF-style: chr16-2345624-A-G.
Other names: short protein forms L794P.
Identifiers: ClinVar variation 3232698 (VCV003232698.1), dbSNP rs2505637353, ClinGen allele CA394328482.

ClinVar aggregate classification (germline): Uncertain significance (1 of 4 stars; one submission).

Conditions:
Hereditary pulmonary alveolar proteinosis. Also called: Pulmonary surfactant metabolism dysfunction. Identifiers: Orphanet 264675, MedGen C3711368, MONDO:0012580.

Submission:

Ambry Genetics
Classification: Uncertain significance for Hereditary pulmonary alveolar proteinosis. Last evaluated: 2024-03-08. Review status: criteria provided, single submitter. Criteria: Ambry Variant Classification Scheme 2023. Collection method: clinical testing. Allele origin: germline.
Comment: The p.L794P variant (also known as c.2381T>C), located in coding exon 15 of the ABCA3 gene, results from a T to C substitution at nucleotide position 2381. The leucine at codon 794 is replaced by proline, an amino acid with similar properties. This amino acid position is conserved. In addition, this alteration is predicted to be deleterious by in silico analysis. Based on the available evidence, the clinical significance of this alteration remains unclear.